The following is an entry in ClinVar:

NM_001370466.1(NOD2):c.1707G>A (p.Thr569=)

Gene: NOD2 (nucleotide binding oligomerization domain containing 2; plus strand). Cytogenetic location: 16q12.1.
Variant type: single nucleotide variant.
Coding change: c.1707G>A on transcript NM_001370466.1 (MANE Select); coding-DNA position 1707, G replaced by A.
Protein change: p.Thr569=; no amino-acid change (threonine 569 retained).
Molecular consequence: synonymous variant. On other transcripts: non-coding transcript variant (1).
Genome position (GRCh38, 1-based): chr16:50,711,699, G>A. VCF-style: chr16-50711699-G-A. GRCh37 (hg19) VCF-style: chr16-50745610-G-A.
Other names: c.1788G>A (LRG_177t1); c.1707G>A, p.Thr569= (NM_001293557.2); c.1788G>A, p.Thr596= (NM_022162.3).
Identifiers: ClinVar variation 97839 (VCV000097839.37), dbSNP rs104895437, ClinGen allele CA150231.

ClinVar aggregate classification (germline): Benign/Likely benign. Review status: criteria provided, multiple submitters, no conflicts (2 of 4 stars). 7 submissions from 7 submitters: Benign (2); Likely benign (4). 1 of the submissions does not count toward it. Last evaluated 2026-02-01.

Conditions:
Autoinflammatory syndrome. Identifiers: Orphanet 93665, MedGen C3890737, MONDO:0019751.
Blau syndrome (BLAUS). Also called: GRANULOMATOSIS, FAMILIAL JUVENILE SYSTEMIC; GRANULOMATOSIS, FAMILIAL, BLAU TYPE; GRANULOMATOUS INFLAMMATORY ARTHRITIS, DERMATITIS, AND UVEITIS, FAMILIAL; JABS SYNDROME; ARTHROCUTANEOUVEAL GRANULOMATOSIS. Identifiers: Orphanet 90340, MedGen C5201146, MONDO:0008523, OMIM 186580.
Regional enteritis. Also called: Enteritis, Granulomatous. Identifiers: MedGen C0678202, MeSH D003424.

Allele frequency attached by ClinVar (database versions not stated): gnomAD exomes 0.00037 and 0.00038; ExAC 0.00039; 1000 Genomes Project 30x 0.00047; 1000 Genomes Project 0.00060; gnomAD 0.00084 and 0.00086; ESP Exome Variant Server 0.00085; TOPMed 0.00095.
gnomAD v4.1: 678 of 1,613,900 alleles (0.042%); highest among the groups gnomAD compares: African/African-American, 0.21%; no homozygotes.

Submissions (7):

CeGaT Center for Human Genetics Tuebingen
Classification: Likely benign. Last evaluated: 2026-02-01. Review status: criteria provided, single submitter. Criteria: CeGaT Center For Human Genetics Tuebingen Variant Classification Criteria Version 2. Collection method: clinical testing. Allele origin: germline. Affected: yes. Observed: 3 variant alleles.
Comment: NOD2: BP4, BP7

Labcorp Genetics (formerly Invitae), Labcorp
Classification: Benign for Regional enteritis; Blau syndrome. Last evaluated: 2026-01-11. Review status: criteria provided, single submitter. Criteria: Invitae Variant Classification Sherloc (09022015). Collection method: clinical testing. Allele origin: germline.

Blueprint Genetics
Classification: Likely benign. Last evaluated: 2024-11-07. Review status: criteria provided, single submitter. Criteria: ACMG Guidelines, 2015. Collection method: clinical testing. Allele origin: germline.

ARUP Laboratories, Molecular Genetics and Genomics, ARUP Laboratories
Classification: Likely benign. Last evaluated: 2023-05-02. Review status: criteria provided, single submitter. Criteria: ARUP Molecular Germline Variant Investigation Process 2024. Collection method: clinical testing. Allele origin: germline.

Genome Diagnostics Laboratory, The Hospital for Sick Children
Classification: Likely benign for Autoinflammatory syndrome. Last evaluated: 2020-08-07. Review status: criteria provided, single submitter. Criteria: ACMG Guidelines, 2015. Collection method: clinical testing. Allele origin: germline. Affected: yes.

Breakthrough Genomics
Classification: Benign. Review status: criteria provided, single submitter. Criteria: ACMG Guidelines, 2015. Collection method: not provided. Allele origin: germline. Inheritance: Multifactorial inheritance. Affected: yes.

Unité médicale des maladies autoinflammatoires, CHRU Montpellier
No classification provided. Condition: Sarcoidosis, early-onset. Review status: no classification provided. Collection method: not provided. Allele origin: unknown. Not counted in ClinVar's aggregate classification.
Comment: also involved in OMIM 186580 and 266600